The following is an entry in ClinVar:

ClinVar aggregate classification (germline): Uncertain significance (1 of 4 stars; one submission).

Submission:

GeneDx
Classification: Uncertain significance. Last evaluated: 2024-06-03. Review status: criteria provided, single submitter. Criteria: GeneDx Variant Classification Process June 2021. Collection method: clinical testing. Allele origin: germline. Affected: yes.
Comment: Not observed at significant frequency in large population cohorts (gnomAD); In silico analysis indicates that this missense variant does not alter protein structure/function; Has not been previously published as pathogenic or benign to our knowledge

NM_003024.3(ITSN1):c.2471C>A (p.Ala824Asp)

Gene: ITSN1 (intersectin 1; plus strand). Cytogenetic location: 21q22.11.
Variant type: single nucleotide variant.
Coding change: c.2471C>A on transcript NM_003024.3 (MANE Select); coding-DNA position 2471, C replaced by A.
Protein change: p.Ala824Asp; replaces alanine 824 with aspartic acid.
Molecular consequence: missense variant.
Genome position (GRCh38, 1-based): chr21:33,811,126, C>A. VCF-style: chr21-33811126-C-A. GRCh37 (hg19) VCF-style: chr21-35183430-C-A.
Other names: c.2471C>A, p.Ala824Asp (NM_001001132.2, NM_001331008.2); c.2456C>A, p.Ala819Asp (NM_001331009.2, NM_001331010.2, NM_001331011.2); c.2345C>A, p.Ala782Asp (NM_001331012.2); short protein forms A782D, A819D, A824D.
Identifiers: ClinVar variation 3384534 (VCV003384534.1).